The following is an entry in ClinVar:

NM_005921.2(MAP3K1):c.744_746dup (p.Arg249_Ser250insArg)

Gene: MAP3K1 (mitogen-activated protein kinase kinase kinase 1; plus strand). Cytogenetic location: 5q11.2.
Variant type: Duplication.
Coding change: c.744_746dup on transcript NM_005921.2 (MANE Select); coding-DNA positions 744 to 746, 3 bases duplicated (ACG; older notation c.744_746dupACG).
Protein change: p.Arg249_Ser250insArg.
Molecular consequence: inframe insertion.
Genome position (GRCh38, 1-based): chr5:56,859,825-56,859,827, ACG duplicated; duplicating any 3 consecutive bases within chr5:56,859,823-56,859,827 gives the same sequence; the c. name uses the placement nearest the transcript's 3' end. VCF-style (leftmost placement, unchanged base first): chr5-56859822-C-CCGA. GRCh37 (hg19) VCF-style: chr5-56155649-C-CCGA.
Identifiers: ClinVar variation 5003143 (VCV005003143.1).

ClinVar aggregate classification (germline): Uncertain significance (1 of 4 stars; one submission).

Conditions:
46,XY sex reversal 6. Also called: 46,XY SEX REVERSAL, PARTIAL OR COMPLETE, MAP3K1-RELATED; 46,XY GONADAL DYSGENESIS, PARTIAL OR COMPLETE, MAP3K1-RELATED. Identifiers: MedGen C3151064, MONDO:0013410, OMIM 613762.

Submission:

OLLIN Analises Genomicas, OLLIN
Classification: Uncertain significance for 46,XY sex reversal 6. Last evaluated: 2026-08-06. Review status: criteria provided, single submitter. Criteria: ACMG Guidelines 2015 PMID 25741868. Collection method: clinical testing. Allele origin: germline. Inheritance: Autosomal dominant inheritance.
Comment: This in-frame duplication, located in exon 3 (of 20), has been observed in gnomAD with an allele frequency of 0.00043%, but has not been reported in ClinVar or identified in the literature. This variant adds 1 amino acid, preserving the reading frame and leading to an increased protein length. According to the currently available evidence, this variant has been classified as uncertain significance (PM4).